The following is an entry in ClinVar:

ClinVar aggregate classification (germline): Uncertain significance. Review status: criteria provided, multiple submitters, no conflicts (2 of 4 stars). 2 submissions from 2 submitters: Uncertain significance (2). Last evaluated 2024-08-11.

Conditions:
Familial cancer of breast. Also called: Hereditary breast cancer; hereditary breast carcinoma; BREAST CANCER, FAMILIAL. Identifiers: Orphanet 227535, MedGen C0346153, MONDO:0016419, OMIM 114480. Disease mechanism: loss of function.
Ataxia-telangiectasia syndrome (AT). Also called: Ataxia-telangiectasia, complementation group D; AT, COMPLEMENTATION GROUP C; ATAXIA-TELANGIECTASIA, COMPLEMENTATION GROUP A; ATAXIA-TELANGIECTASIA, FRESNO VARIANT; Ataxia-telangiectasia; Ataxia telangiectasia (A-T). Identifiers: Orphanet 100, MedGen C0004135, MONDO:0008840, OMIM 208900.

Submissions (2):

Labcorp Genetics (formerly Invitae), Labcorp
Classification: Uncertain significance for Ataxia-telangiectasia syndrome. Last evaluated: 2024-08-11. Review status: criteria provided, single submitter. Criteria: Invitae Variant Classification Sherloc (09022015). Collection method: clinical testing. Allele origin: germline.
Comment: This sequence change replaces isoleucine, which is neutral and non-polar, with valine, which is neutral and non-polar, at codon 2008 of the ATM protein (p.Ile2008Val). This variant is not present in population databases (gnomAD no frequency). This missense change has been observed in individual(s) with ovarian cancer (PMID: 37013556). ClinVar contains an entry for this variant (Variation ID: 935615). An algorithm developed to predict the effect of missense changes on protein structure and function (PolyPhen-2) suggests that this variant is likely to be tolerated. In summary, the available evidence is currently insufficient to determine the role of this variant in disease. Therefore, it has been classified as a Variant of Uncertain Significance.

Baylor Genetics
Classification: Uncertain significance for Familial cancer of breast. Last evaluated: 2023-12-31. Review status: criteria provided, single submitter. Criteria: ACMG Guidelines, 2015. Collection method: clinical testing. Allele origin: unknown.

Literature cited by the submitters: PubMed 37013556 (cited by Labcorp Genetics (formerly Invitae), Labcorp).

NM_000051.4(ATM):c.6022A>G (p.Ile2008Val)

Genes: ATM (ATM serine/threonine kinase; plus strand), C11orf65 (chromosome 11 open reading frame 65; minus strand). Cytogenetic location: 11q22.3.
Variant type: single nucleotide variant.
Coding change: c.6022A>G on transcript NM_000051.4 (MANE Select); coding-DNA position 6022, A replaced by G.
Protein change: p.Ile2008Val; replaces isoleucine 2008 with valine.
Molecular consequence: missense variant. On other transcripts: intron variant (2).
Genome position (GRCh38, 1-based): chr11:108,315,838, A>G. VCF-style: chr11-108315838-A-G. GRCh37 (hg19) VCF-style: chr11-108186565-A-G.
Other names: c.6022A>G, p.Ile2008Val (NM_001351834.2); c.641-6767T>C (NM_001330368.2); c.*39-6767T>C (NM_001351110.2); short protein forms I2008V.
Identifiers: ClinVar variation 935615 (VCV000935615.11), dbSNP rs2084586855, ClinGen allele CA382549845.
Genomic context (GRCh38, chr11:108,315,838, plus strand): 5'-CGATTTTTTTTCCTTCTTCAATTTTTGTTGTTTCCATGTTTTCAGGATCTTCTCTTAGAA[A>G]TCTACAGAAGTATAGGGGAGCCAGATAGTTTGTATGGCTGTGGTGGAGGGAAGATGTTAC-3'
Protein context (NP_000042.3, residues 1998-2018): GISLQDLLLE[Ile2008Val]YRSIGEPDSL